The following is an entry in ClinVar:

NM_005202.4(COL8A2):c.2060C>T (p.Ser687Phe)

Gene: COL8A2 (collagen type VIII alpha 2 chain; minus strand). Cytogenetic location: 1p34.3.
Variant type: single nucleotide variant.
Coding change: c.2060C>T on transcript NM_005202.4 (MANE Select); coding-DNA position 2060, C replaced by T.
Protein change: p.Ser687Phe; replaces serine 687 with phenylalanine.
Molecular consequence: missense variant.
Genome position (GRCh38, 1-based): chr1:36,097,621, G>A on the plus strand (C>T on the coding strand, the complement: COL8A2 is on the minus strand). VCF-style: chr1-36097621-G-A. GRCh37 (hg19) VCF-style: chr1-36563222-G-A.
Other names: c.1865C>T, p.Ser622Phe (NM_001294347.2); short protein forms S687F, S622F.
Identifiers: ClinVar variation 3684385 (VCV003684385.2).

ClinVar aggregate classification (germline): Uncertain significance (1 of 4 stars; one submission).

Submission:

Labcorp Genetics (formerly Invitae), Labcorp
Classification: Uncertain significance. Last evaluated: 2024-08-05. Review status: criteria provided, single submitter. Criteria: Invitae Variant Classification Sherloc (09022015). Collection method: clinical testing. Allele origin: germline.
Comment: This sequence change replaces serine, which is neutral and polar, with phenylalanine, which is neutral and non-polar, at codon 687 of the COL8A2 protein (p.Ser687Phe). This variant is not present in population databases (gnomAD no frequency). This variant has not been reported in the literature in individuals affected with COL8A2-related conditions. An algorithm developed to predict the effect of missense changes on protein structure and function (PolyPhen-2) suggests that this variant is likely to be disruptive. In summary, the available evidence is currently insufficient to determine the role of this variant in disease. Therefore, it has been classified as a Variant of Uncertain Significance.